The following is an entry in ClinVar:

NM_001384732.1(CPLANE1):c.9307C>T (p.His3103Tyr)

Gene: CPLANE1 (ciliogenesis and planar polarity effector complex subunit 1; minus strand). Cytogenetic location: 5p13.2.
Variant type: single nucleotide variant.
Coding change: c.9307C>T on transcript NM_001384732.1 (MANE Select); coding-DNA position 9307, C replaced by T.
Protein change: p.His3103Tyr; replaces histidine 3103 with tyrosine.
Molecular consequence: missense variant.
Genome position (GRCh38, 1-based): chr5:37,120,219, G>A on the plus strand (C>T on the coding strand, the complement: CPLANE1 is on the minus strand). VCF-style: chr5-37120219-G-A. GRCh37 (hg19) VCF-style: chr5-37120321-G-A.
Other names: c.9145C>T, p.His3049Tyr (NM_023073.4); short protein forms H3049Y, H3103Y.
Identifiers: ClinVar variation 1413053 (VCV001413053.6), dbSNP rs145378102, ClinGen allele CA3237511.

ClinVar aggregate classification (germline): Conflicting classifications of pathogenicity. Review status: criteria provided, conflicting classifications (1 of 4 stars). 3 submissions from 3 submitters: Uncertain significance (2); Likely benign (1). Last evaluated 2023-10-22.

Conditions:
Orofaciodigital syndrome type 6 (OFD6). Also called: OROFACIODIGITAL SYNDROME VI; OFDS VI; POLYDACTYLY, CLEFT LIP/PALATE OR LINGUAL LUMP, AND PSYCHOMOTOR RETARDATION; VARADI SYNDROME; VARADI-PAPP SYNDROME; Oral-facial-digital syndrome type 6. Identifiers: Orphanet 2754, MedGen C2745997, MONDO:0010176, OMIM 277170.
Joubert syndrome 17 (JBTS17). Identifiers: Orphanet 475, MedGen C3553264, MONDO:0013824, OMIM 614615.

Allele frequency attached by ClinVar (database versions not stated): gnomAD exomes 0.00002 and 0.00008; ExAC 0.00004; ESP Exome Variant Server 0.00008; gnomAD 0.00011 and 0.00012; TOPMed 0.00015.
gnomAD v4.1: 46 of 1,599,602 alleles (0.0029%); highest among the groups gnomAD compares: Admixed American, 0.056%; no homozygotes.

Submissions (3):

Labcorp Genetics (formerly Invitae), Labcorp
Classification: Uncertain significance. Last evaluated: 2023-10-22. Review status: criteria provided, single submitter. Criteria: Invitae Variant Classification Sherloc (09022015). Collection method: clinical testing. Allele origin: germline.
Comment: This sequence change replaces histidine, which is basic and polar, with tyrosine, which is neutral and polar, at codon 3049 of the CPLANE1 protein (p.His3049Tyr). This variant is present in population databases (rs145378102, gnomAD 0.05%). This variant has not been reported in the literature in individuals affected with CPLANE1-related conditions. ClinVar contains an entry for this variant (Variation ID: 1413053). Advanced modeling of protein sequence and biophysical properties (such as structural, functional, and spatial information, amino acid conservation, physicochemical variation, residue mobility, and thermodynamic stability) performed at Invitae indicates that this missense variant is not expected to disrupt CPLANE1 protein function. In summary, the available evidence is currently insufficient to determine the role of this variant in disease. Therefore, it has been classified as a Variant of Uncertain Significance.

Fulgent Genetics
Classification: Uncertain significance for Orofaciodigital syndrome type 6; Joubert syndrome 17. Last evaluated: 2022-02-10. Review status: criteria provided, single submitter. Criteria: ACMG Guidelines, 2015. Collection method: clinical testing. Allele origin: unknown.

Blueprint Genetics
Classification: Likely benign. Last evaluated: 2020-05-14. Review status: criteria provided, single submitter. Criteria: ACMG Guidelines, 2015. Collection method: clinical testing. Allele origin: germline.